The following is an entry in ClinVar:

NM_015915.5(ATL1):c.723+3_723+19del

Gene: ATL1 (atlastin GTPase 1; plus strand). Cytogenetic location: 14q22.1.
Variant type: Deletion.
Coding change: c.723+3_723+19del on transcript NM_015915.5 (MANE Select); bases 3 to 19 of the intron after coding-DNA position 723, 17 bases deleted (TTGTTAGATATTTAGGT).
Molecular consequence: splice donor variant.
Genome position (GRCh38, 1-based): chr14:50,613,354-50,613,370, TTGTTAGATATTTAGGT deleted; deleting any 17 consecutive bases within chr14:50,613,350-50,613,370 gives the same sequence; the c. name uses the placement nearest the transcript's 3' end. VCF-style (leftmost placement, unchanged base first): chr14-50613349-AAGGTTTGTTAGATATTT-A. GRCh37 (hg19) VCF-style: chr14-51080067-AAGGTTTGTTAGATATTT-A.
Other names: c.723+3_723+19del (NM_001127713.1, NM_181598.4).
Identifiers: ClinVar variation 1402624 (VCV001402624.7), dbSNP rs1461170744, ClinGen allele CA486190691.

ClinVar aggregate classification (germline): Uncertain significance. Review status: criteria provided, multiple submitters, no conflicts (2 of 4 stars). 2 submissions from 2 submitters: Uncertain significance (2). Last evaluated 2024-06-06.

Conditions:
Hereditary spastic paraplegia 3A (SPG3A). Also called: SPASTIC PARAPLEGIA 3, AUTOSOMAL DOMINANT; FAMILIAL SPASTIC PARAPLEGIA, AUTOSOMAL DOMINANT, 1; SPG3; STRUMPELL DISEASE; Spastic Paraplegia 3A; Spastic paraplegia 3A, autosomal dominant. Identifiers: Orphanet 100984, MedGen C2931355, MONDO:0008437, OMIM 182600.
Neuropathy, hereditary sensory, type 1D. Identifiers: Orphanet 36386, MedGen C3150972, MONDO:0013381, OMIM 613708.

Submissions (2):

Labcorp Genetics (formerly Invitae), Labcorp
Classification: Uncertain significance for Hereditary spastic paraplegia 3A. Last evaluated: 2024-06-06. Review status: criteria provided, single submitter. Criteria: Invitae Variant Classification Sherloc (09022015). Collection method: clinical testing. Allele origin: germline.
Comment: This sequence change falls in intron 7 of the ATL1 gene. It does not directly change the encoded amino acid sequence of the ATL1 protein. It affects a nucleotide within the consensus splice site. This variant is present in population databases (no rsID available, gnomAD 0.0009%). This variant has not been reported in the literature in individuals affected with ATL1-related conditions. ClinVar contains an entry for this variant (Variation ID: 1402624). Variants that disrupt the consensus splice site are a relatively common cause of aberrant splicing (PMID: 17576681, 9536098). In summary, the available evidence is currently insufficient to determine the role of this variant in disease. Therefore, it has been classified as a Variant of Uncertain Significance.

Fulgent Genetics
Classification: Uncertain significance for Hereditary spastic paraplegia 3A; Neuropathy, hereditary sensory, type 1D. Last evaluated: 2022-04-05. Review status: criteria provided, single submitter. Criteria: ACMG Guidelines, 2015. Collection method: clinical testing. Allele origin: unknown.

Literature cited by the submitters: PubMed 17576681 (cited by Labcorp Genetics (formerly Invitae), Labcorp); PubMed 9536098 (cited by Labcorp Genetics (formerly Invitae), Labcorp).